The following is an entry in ClinVar:

ClinVar aggregate classification (germline): Likely pathogenic (1 of 4 stars; one submission).

Conditions:
Glycogen storage disease, type VII (GSD7). Also called: PFKM DEFICIENCY; TARUI DISEASE; GSD VII; MUSCLE PHOSPHOFRUCTOKINASE DEFICIENCY. Identifiers: Orphanet 371, MedGen C0017926, MONDO:0009295, OMIM 232800.

Submission:

Myriad Genetics, Inc.
Classification: Likely pathogenic for Glycogen storage disease, type VII. Last evaluated: 2021-12-22. Review status: criteria provided, single submitter. Criteria: Myriad Women's Health Autosomal Recessive and X-Linked Classification Criteria (2021). Collection method: clinical testing. Allele origin: unknown.
Comment: NM_001166686.1(PFKM):c.1934delG(G645Vfs*43) is expected to be pathogenic in the context of glycogen storage disease type VII. This variant is predicted to lead to an abnormal or absent protein product due to the creation of a premature termination codon in PFKM, a gene where loss-of-function variants are known to be pathogenic. Please note: this variant was assessed in the context of healthy population screening.

NM_000289.6(PFKM):c.1721del (p.Gly574fs)

Gene: PFKM (phosphofructokinase, muscle; plus strand). Cytogenetic location: 12q13.11.
Variant type: Deletion.
Coding change: c.1721del on transcript NM_000289.6 (MANE Select); coding-DNA position 1721, one base deleted (G; older notation c.1721delG).
Protein change: p.Gly574fs; shifts the reading frame from glycine 574.
Molecular consequence: frameshift variant. On other transcripts: non-coding transcript variant (6).
Genome position (GRCh38, 1-based): chr12:48,142,849, G deleted; the last of 3 consecutive G bases (chr12:48,142,847-48,142,849); deleting any one gives the same sequence. VCF-style (leftmost placement, unchanged base first): chr12-48142846-TG-T. GRCh37 (hg19) VCF-style: chr12-48536629-TG-T.
Other names: c.1934del, p.Gly645fs (NM_001166686.2, NM_001354737.1, NM_001354738.1 and 1 more transcripts); c.1721del, p.Gly574fs (NM_001166687.2, NM_001166688.2, NM_001354742.2 and 2 more transcripts); c.2030del, p.Gly677fs (NM_001354735.1, NM_001354736.1); c.1865del, p.Gly622fs (NM_001354740.1); c.1745del, p.Gly582fs (NM_001354741.2); c.1634del, p.Gly545fs (NM_001354745.2); c.1595del, p.Gly532fs (NM_001354746.2); c.1571del, p.Gly524fs (NM_001354747.2, NM_001354748.2); and 1 more; short protein forms G524fs, G532fs, G543fs, G545fs, G574fs, G582fs, G622fs, G645fs.
Identifiers: ClinVar variation 1726571 (VCV001726571.2), dbSNP rs2498610400, ClinGen allele CA2580085469.